The following is an entry in ClinVar:

ClinVar aggregate classification (germline): Uncertain significance (1 of 4 stars; one submission).

Conditions:
Brugada syndrome 8 (BRGDA8). Identifiers: Orphanet 130, MedGen C2751083, MONDO:0013148, OMIM 613123.

Submission:

Labcorp Genetics (formerly Invitae), Labcorp
Classification: Uncertain significance for Brugada syndrome 8. Last evaluated: 2024-05-18. Review status: criteria provided, single submitter. Criteria: Invitae Variant Classification Sherloc (09022015). Collection method: clinical testing. Allele origin: germline.
Comment: This sequence change replaces serine, which is neutral and polar, with cysteine, which is neutral and slightly polar, at codon 935 of the HCN4 protein (p.Ser935Cys). This variant is not present in population databases (gnomAD no frequency). This variant has not been reported in the literature in individuals affected with HCN4-related conditions. Advanced modeling of protein sequence and biophysical properties (such as structural, functional, and spatial information, amino acid conservation, physicochemical variation, residue mobility, and thermodynamic stability) performed at Invitae indicates that this missense variant is not expected to disrupt HCN4 protein function with a negative predictive value of 80%. In summary, the available evidence is currently insufficient to determine the role of this variant in disease. Therefore, it has been classified as a Variant of Uncertain Significance.

NM_005477.3(HCN4):c.2804C>G (p.Ser935Cys)

Gene: HCN4 (hyperpolarization activated cyclic nucleotide gated potassium channel 4; minus strand). Cytogenetic location: 15q24.1.
Variant type: single nucleotide variant.
Coding change: c.2804C>G on transcript NM_005477.3 (MANE Select); coding-DNA position 2804, C replaced by G.
Protein change: p.Ser935Cys; replaces serine 935 with cysteine.
Molecular consequence: missense variant.
Genome position (GRCh38, 1-based): chr15:73,323,289, G>C on the plus strand (C>G on the coding strand, the complement: HCN4 is on the minus strand). VCF-style: chr15-73323289-G-C. GRCh37 (hg19) VCF-style: chr15-73615630-G-C.
Other names: short protein forms S935C.
Identifiers: ClinVar variation 2782969 (VCV002782969.3), dbSNP rs775803239, ClinGen allele CA393087921.
Genomic context (GRCh38, chr15:73,323,289, plus strand): 5'-GGGAGTCCCAGGCCTCCCCGGGCCCCGGGTGGCGCGGGAGATGGCTGGGCAGCCTGCGGG[G>C]AGCGGGCGCCTGGCTGCAGCGGGGTGAGCAGGGGAGAGTCGGAGGAGGACAGGGAGCCAC-3'
Protein context (NP_005468.1, residues 925-945): LLTPLQPGAR[Ser935Cys]PQAAQPSPAP